The following is an entry in ClinVar:

NM_005619.5(RTN2):c.407C>T (p.Pro136Leu)

Genes: OPA3-RTN2 (OPA3-RTN2 readthrough; minus strand), RTN2 (reticulon 2; minus strand). Cytogenetic location: 19q13.32.
Variant type: single nucleotide variant.
Coding change: c.407C>T on transcript NM_005619.5 (MANE Select); coding-DNA position 407, C replaced by T.
Protein change: p.Pro136Leu; replaces proline 136 with leucine.
Molecular consequence: missense variant.
Genome position (GRCh38, 1-based): chr19:45,494,678, G>A on the plus strand (C>T on the coding strand, the complement: RTN2 is on the minus strand). VCF-style: chr19-45494678-G-A. GRCh37 (hg19) VCF-style: chr19-45997936-G-A.
Other names: c.407C>T, p.Pro136Leu (NM_206900.3); short protein forms P136L.
Identifiers: ClinVar variation 2039828 (VCV002039828.4), dbSNP rs1377964146, ClinGen allele CA406361920.

ClinVar aggregate classification (germline): Uncertain significance (1 of 4 stars; one submission).

Conditions:
Spastic paraplegia. Identifiers: MedGen C0037772, HP:0001258.

Allele frequency attached by ClinVar (database versions not stated): gnomAD exomes below 0.00001.
gnomAD v4.1: 4 of 1,613,762 alleles (0.00025%); highest among the groups gnomAD compares: Admixed American, 0.0017%; no homozygotes.

Submission:

Labcorp Genetics (formerly Invitae), Labcorp
Classification: Uncertain significance for Spastic paraplegia. Last evaluated: 2022-11-15. Review status: criteria provided, single submitter. Criteria: Invitae Variant Classification Sherloc (09022015). Collection method: clinical testing. Allele origin: germline.
Comment: In summary, the available evidence is currently insufficient to determine the role of this variant in disease. Therefore, it has been classified as a Variant of Uncertain Significance. Algorithms developed to predict the effect of missense changes on protein structure and function are either unavailable or do not agree on the potential impact of this missense change (SIFT: "Tolerated"; PolyPhen-2: "Possibly Damaging"; Align-GVGD: "Class C0"). This variant has not been reported in the literature in individuals affected with RTN2-related conditions. This variant is present in population databases (no rsID available, gnomAD 0.003%). This sequence change replaces proline, which is neutral and non-polar, with leucine, which is neutral and non-polar, at codon 136 of the RTN2 protein (p.Pro136Leu).